The following is an entry in ClinVar:

ClinVar aggregate classification (germline): Likely pathogenic. Review status: criteria provided, multiple submitters, no conflicts (2 of 4 stars). 2 submissions from 2 submitters: Likely pathogenic (2). Last evaluated 2023-10-28.

Conditions:
Autosomal recessive limb-girdle muscular dystrophy type 2B (LGMDR2). Also called: Limb-Girdle Muscular Dystrophy Type 2B (LGMD2B); MUSCULAR DYSTROPHY, LIMB-GIRDLE, TYPE 3; Limb-girdle muscular dystrophy, type 2B; MUSCULAR DYSTROPHY, LIMB-GIRDLE, AUTOSOMAL RECESSIVE 2. Identifiers: Orphanet 268, MedGen C1850889, MONDO:0009676, OMIM 253601.
Neuromuscular disease caused by qualitative or quantitative defects of dysferlin. Also called: Dysferlinopathy; Qualitative or quantitative defects of dysferlin. Identifiers: Orphanet 207073, MedGen C2931687, MONDO:0016145.

Submissions (2):

Illumina Laboratory Services, Illumina
Classification: Likely pathogenic for Autosomal recessive limb-girdle muscular dystrophy type 2B. Last evaluated: 2023-10-28. Review status: criteria provided, single submitter. Criteria: ICSLVariantClassificationCriteria RUGD 01 April 2020. Collection method: clinical testing. Allele origin: unknown.
Comment: The DYSF c.2109+1G>C variant results in a substitution at the consensus splice donor site which may result in splicing defects. To our knowledge, the c.2109+1G>C variant has not been reported in the peer-reviewed literature. This variant is not observed in version 2.1.1 or version 3.1.2 of the Genome Aggregation Database. Based on the available evidence, the c.2109+1G>C variant is classified as likely pathogenic for dysferlinopathy.

Labcorp Genetics (formerly Invitae), Labcorp
Classification: Likely pathogenic for Neuromuscular disease caused by qualitative or quantitative defects of dysferlin. Last evaluated: 2022-02-08. Review status: criteria provided, single submitter. Criteria: Invitae Variant Classification Sherloc (09022015). Collection method: clinical testing. Allele origin: germline.
Comment: In summary, the currently available evidence indicates that the variant is pathogenic, but additional data are needed to prove that conclusively. Therefore, this variant has been classified as Likely Pathogenic. Algorithms developed to predict the effect of sequence changes on RNA splicing suggest that this variant may disrupt the consensus splice site. Disruption of this splice site has been observed in individual(s) with limb-girdle muscular dystrophy (PMID: 22194990). This variant is not present in population databases (gnomAD no frequency). This sequence change affects a donor splice site in intron 21 of the DYSF gene. It is expected to disrupt RNA splicing. Variants that disrupt the donor or acceptor splice site typically lead to a loss of protein function (PMID: 16199547), and loss-of-function variants in DYSF are known to be pathogenic (PMID: 17698709, 20301480).

Literature cited by the submitters: PubMed 22194990 (cited by Labcorp Genetics (formerly Invitae), Labcorp); PubMed 16199547 (cited by Labcorp Genetics (formerly Invitae), Labcorp); PubMed 17698709 (cited by Labcorp Genetics (formerly Invitae), Labcorp); PubMed 20301480 (cited by Labcorp Genetics (formerly Invitae), Labcorp).

NM_001130987.2(DYSF):c.2109+1G>C

Gene: DYSF (dysferlin; plus strand). Cytogenetic location: 2p13.2.
Variant type: single nucleotide variant.
Coding change: c.2109+1G>C on transcript NM_001130987.2 (MANE Select); the canonical splice donor site of the intron after coding-DNA position 2109, G replaced by C.
Molecular consequence: splice donor variant.
Genome position (GRCh38, 1-based): chr2:71,553,932, G>C. VCF-style: chr2-71553932-G-C. GRCh37 (hg19) VCF-style: chr2-71781062-G-C.
Other names: c.2016+1G>C (NM_001130986.2, NM_001130984.2); c.2148+1G>C (NM_001130979.2); c.2106+1G>C (NM_001130981.2, NM_001130980.2); c.2055+1G>C (NM_001130978.2, NM_003494.4); c.2013+1G>C (NM_001130977.2, NM_001130976.2); c.2151+1G>C (NM_001130982.2); c.2109+1G>C (NM_001130985.2); c.2058+1G>C (NM_001130983.2, NM_001130455.2).
Identifiers: ClinVar variation 1486236 (VCV001486236.7), dbSNP rs2152792714, ClinGen allele CA347219053.